The following is an entry in ClinVar:

ClinVar aggregate classification (germline): Pathogenic (1 of 4 stars; one submission).

Conditions:
Duchenne muscular dystrophy (DMD). Also called: MUSCULAR DYSTROPHY, PSEUDOHYPERTROPHIC PROGRESSIVE, DUCHENNE TYPE; Duchenne Muscular Dystrophy (DMD). Identifiers: Orphanet 98896, MedGen C0013264, MONDO:0010679, OMIM 310200.

Submission:

Labcorp Genetics (formerly Invitae), Labcorp
Classification: Pathogenic for Duchenne muscular dystrophy. Last evaluated: 2021-09-17. Review status: criteria provided, single submitter. Criteria: Invitae Variant Classification Sherloc (09022015). Collection method: clinical testing. Allele origin: germline.
Comment: For these reasons, this variant has been classified as Pathogenic. A similar copy number variant has been observed in individuals with Duchenne muscular dystrophy (PMID: 31705731; Invitae). This variant results in a copy number gain of the genomic region encompassing exon(s) 53-62 of the DMD gene. While the exact position of this variant cannot be determined from the data, sub-genic copy number gains are generally in tandem (PMID: 25640679). This variant is predicted to be out-of-frame, and may result in an absent or disrupted protein product. Loss-of-function variants in DMD are known to be pathogenic (PMID: 16770791, 25007885).

Literature cited by the submitters: PubMed 31705731; PubMed 25640679; PubMed 16770791; PubMed 25007885.

NC_000023.10:g.(?_31341695)_(31697723_?)dup

Gene: DMD (dystrophin; minus strand). Cytogenetic location: Xp21.2-21.1.
Variant type: Duplication.
Identifiers: ClinVar variation 1394862 (VCV001394862.5).